The following is an entry in ClinVar:

ClinVar aggregate classification (germline): Likely pathogenic (1 of 4 stars; one submission).

Conditions:
Duchenne muscular dystrophy (DMD). Also called: MUSCULAR DYSTROPHY, PSEUDOHYPERTROPHIC PROGRESSIVE, DUCHENNE TYPE; Duchenne Muscular Dystrophy (DMD). Identifiers: Orphanet 98896, MedGen C0013264, MONDO:0010679, OMIM 310200.

Submission:

Labcorp Genetics (formerly Invitae), Labcorp
Classification: Likely pathogenic for Duchenne muscular dystrophy. Last evaluated: 2022-09-09. Review status: criteria provided, single submitter. Criteria: Invitae Variant Classification Sherloc (09022015). Collection method: clinical testing. Allele origin: germline.
Comment: A similar copy number variant has been observed in individual(s) with Duchenne and/or Becker muscular dystrophy (PMID: 16770791, 17259292, 18683213). In at least one individual the variant was observed to be de novo. This variant results in a copy number gain of the genomic region encompassing exon(s) 48-49 of the DMD gene. While the exact position of this variant cannot be determined from the data, sub-genic copy number gains are generally in tandem (PMID: 25640679). This variant is predicted to be in-frame, and likely preserves the integrity of the reading frame. In summary, the currently available evidence indicates that the variant is pathogenic, but additional data are needed to prove that conclusively. Therefore, this variant has been classified as Likely Pathogenic.

Literature cited by the submitters: PubMed 16770791; PubMed 17259292; PubMed 18683213; PubMed 25640679.

NC_000023.10:g.(?_31854825)_(31893500_?)dup

Gene: DMD (dystrophin; minus strand). Cytogenetic location: Xp21.1.
Variant type: Duplication.
Identifiers: ClinVar variation 1523814 (VCV001523814.8).